The following is an entry in ClinVar:

NM_000419.5(ITGA2B):c.3070T>A (p.Phe1024Ile)

Gene: ITGA2B (integrin subunit alpha 2b; minus strand). Cytogenetic location: 17q21.31.
Variant type: single nucleotide variant.
Coding change: c.3070T>A on transcript NM_000419.5 (MANE Select); coding-DNA position 3070, T replaced by A.
Protein change: p.Phe1024Ile; replaces phenylalanine 1024 with isoleucine.
Molecular consequence: missense variant.
Genome position (GRCh38, 1-based): chr17:44,372,414, A>T on the plus strand (T>A on the coding strand, the complement: ITGA2B is on the minus strand). VCF-style: chr17-44372414-A-T. GRCh37 (hg19) VCF-style: chr17-42449782-A-T.
Other names: short protein forms F1024I.
Identifiers: ClinVar variation 2572659 (VCV002572659.5), dbSNP rs1331554337, ClinGen allele CA399787909.

ClinVar aggregate classification (germline): Conflicting classifications of pathogenicity. Review status: criteria provided, conflicting classifications (1 of 4 stars). 2 submissions from 2 submitters: Likely pathogenic (1); Uncertain significance (1). Last evaluated 2026-03-05.

Conditions:
Platelet-type bleeding disorder 16 (BDPLT16). Also called: Bleeding disorder, platelet-type, 16, autosomal dominant. Identifiers: Orphanet 140957, MedGen C5442010, MONDO:0008552, OMIM 187800.

Submissions (2):

Victorian Clinical Genetics Services, Murdoch Childrens Research Institute
Classification: Likely pathogenic for Platelet-type bleeding disorder 16. Last evaluated: 2026-03-05. Review status: criteria provided, single submitter. Criteria: ACMG Guidelines, 2015. Collection method: clinical testing. Allele origin: germline. Affected: yes.
Comment: This variant is classified as Likely pathogenic. Evidence in support of pathogenic classification: Variant is absent from gnomAD (v2, v3 and v4); Another variant comparable to the one identified in this case has moderate previous evidence for pathogenicity. p.(Phe1024del) has been reported in the literature in an individual with macrothrombocytopenia (PMID: 24498605) and in a family with thrombocytopenia, epistaxis and bleeding tendency (PMID: 38604226); Variant is located in the well-established functional GFFKR sequence of the integrin alpha cytoplasmic region (PMID: 24498605). Expression of p.(Phe1024del) in HEK293T cells led to highly activated conformation of αIIbβ3 and spontaneous activation of FAK compared to wildtype (PMID: 24498605); Missense variant predicted to be damaging by in silico tool(s) or highly conserved with a major amino acid change. Additional information: Variant is predicted to result in a missense amino acid change from Phe to Ile; This variant is heterozygous; This gene is associated with both recessive and dominant disease. It is associated with autosomal recessive Glanzmann thrombasthenia 1 (MIM#273800) and autosomal dominant bleeding disorder, platelet-type, 16 (MIM#187800); Alternative amino acid change(s) at the same position are present in gnomAD (Highest allele count: v4: 1 heterozygote(s), 0 homozygote(s)); Previous evidence of pathogenicity for this variant is inconclusive. This variant has been observed in an individual with reduced platelet surface GPIIbIIIa and reduced aggregation to ristocetin, and classified as a VUS by a clinical laboratory in ClinVar; No published evidence of segregation with disease has been identified for this variant; No published functional evidence has been identified for this variant; Loss of function and gain of function are known mechanisms of disease in this gene and are associated with disease. LoF is associated with autosomal recessive Glanzmann thrombasthenia 1 (MIM#273800) while GoF is associated with autosomal dominant bleeding disorder, platelet-type, 16 (MIM#187800) (PMIDs: 21454453, 24498605).

ISTH-SSC Genomics in Thrombosis and Hemostasis, KU Leuven, Center for Molecular and Vascular Biology
Classification: Uncertain significance for Platelet-type bleeding disorder 16. Review status: criteria provided, single submitter. Criteria: ACMG Guidelines, 2015. Collection method: clinical testing. Allele origin: germline. Affected: yes. Observed: 2 heterozygotes. Clinical features observed: bleeding, Macrothrombocytopenia.
Comment: Submitted to the GoldVariant database by Dr Marie-Christine Morel-Kopp; Northern Blood Research Centre, Sydney, Australia

Literature cited by the submitters: PubMed 38604226 (cited by Victorian Clinical Genetics Services, Murdoch Childrens Research Institute); PubMed 24498605 (cited by Victorian Clinical Genetics Services, Murdoch Childrens Research Institute); PubMed 21454453 (cited by Victorian Clinical Genetics Services, Murdoch Childrens Research Institute).